The following is an entry in ClinVar:

NM_004944.4(DNASE1L3):c.860T>C (p.Phe287Ser)

Gene: DNASE1L3 (deoxyribonuclease 1L3; minus strand). Cytogenetic location: 3p14.3.
Variant type: single nucleotide variant.
Coding change: c.860T>C on transcript NM_004944.4 (MANE Select); coding-DNA position 860, T replaced by C.
Protein change: p.Phe287Ser; replaces phenylalanine 287 with serine.
Molecular consequence: missense variant.
Genome position (GRCh38, 1-based): chr3:58,192,745, A>G on the plus strand (T>C on the coding strand, the complement: DNASE1L3 is on the minus strand). VCF-style: chr3-58192745-A-G. GRCh37 (hg19) VCF-style: chr3-58178472-A-G.
Other names: c.770T>C, p.Phe257Ser (NM_001256560.2); short protein forms F257S, F287S.
Identifiers: ClinVar variation 2778270 (VCV002778270.3), dbSNP rs970045878, ClinGen allele CA75456601.

ClinVar aggregate classification (germline): Uncertain significance (1 of 4 stars; one submission).

Allele frequency attached by ClinVar (database versions not stated): gnomAD exomes below 0.00001.
gnomAD v4.1: 1 of 1,614,090 alleles (0.000062%); highest among the groups gnomAD compares: Non-Finnish European, 0.000085%; no homozygotes.

Submission:

Labcorp Genetics (formerly Invitae), Labcorp
Classification: Uncertain significance. Last evaluated: 2023-06-15. Review status: criteria provided, single submitter. Criteria: Invitae Variant Classification Sherloc (09022015). Collection method: clinical testing. Allele origin: germline.
Comment: This variant is not present in population databases (gnomAD no frequency). This variant has not been reported in the literature in individuals affected with DNASE1L3-related conditions. Algorithms developed to predict the effect of missense changes on protein structure and function output the following: SIFT: "Not Available"; PolyPhen-2: "Benign"; Align-GVGD: "Not Available". The serine amino acid residue is found in multiple mammalian species, which suggests that this missense change does not adversely affect protein function. In summary, the available evidence is currently insufficient to determine the role of this variant in disease. Therefore, it has been classified as a Variant of Uncertain Significance. This sequence change replaces phenylalanine, which is neutral and non-polar, with serine, which is neutral and polar, at codon 287 of the DNASE1L3 protein (p.Phe287Ser).